The following is an entry in ClinVar:

NM_005219.5(DIAPH1):c.2818A>G (p.Ile940Val)

Gene: DIAPH1 (diaphanous related formin 1; minus strand). Cytogenetic location: 5q31.3.
Variant type: single nucleotide variant.
Coding change: c.2818A>G on transcript NM_005219.5 (MANE Select); coding-DNA position 2818, A replaced by G.
Protein change: p.Ile940Val; replaces isoleucine 940 with valine.
Molecular consequence: missense variant.
Genome position (GRCh38, 1-based): chr5:141,528,902, T>C on the plus strand (A>G on the coding strand, the complement: DIAPH1 is on the minus strand). VCF-style: chr5-141528902-T-C. GRCh37 (hg19) VCF-style: chr5-140908469-T-C.
Other names: c.2791A>G, p.Ile931Val (NM_001079812.3); c.2818A>G, p.Ile940Val (NM_001314007.2); short protein forms I931V, I940V.
Identifiers: ClinVar variation 948913 (VCV000948913.10), dbSNP rs2099887788, ClinGen allele CA361585335.

ClinVar aggregate classification (germline): Uncertain significance (1 of 4 stars; one submission).

Conditions:
Progressive microcephaly-seizures-cortical blindness-developmental delay syndrome. Also called: Seizures, cortical blindness, and microcephaly syndrome. Identifiers: Orphanet 477814, MedGen C5567650, MONDO:0014714, OMIM 616632.
Autosomal dominant nonsyndromic hearing loss 1. Also called: DEAFNESS, AUTOSOMAL DOMINANT 1, WITH OR WITHOUT THROMBOCYTOPENIA; KONIGSMARK SYNDROME. Identifiers: Orphanet 90635, MedGen C1852282, MONDO:0007424, OMIM 124900.

Submission:

Labcorp Genetics (formerly Invitae), Labcorp
Classification: Uncertain significance for Progressive microcephaly-seizures-cortical blindness-developmental delay syndrome; Autosomal dominant nonsyndromic hearing loss 1. Last evaluated: 2025-07-14. Review status: criteria provided, single submitter. Criteria: Invitae Variant Classification Sherloc (09022015). Collection method: clinical testing. Allele origin: germline.
Comment: This sequence change replaces isoleucine, which is neutral and non-polar, with valine, which is neutral and non-polar, at codon 940 of the DIAPH1 protein (p.Ile940Val). This variant is not present in population databases (gnomAD no frequency). This variant has not been reported in the literature in individuals affected with DIAPH1-related conditions. ClinVar contains an entry for this variant (Variation ID: 948913). An algorithm developed to predict the effect of missense changes on protein structure and function (PolyPhen-2) suggests that this variant is likely to be disruptive. In summary, the available evidence is currently insufficient to determine the role of this variant in disease. Therefore, it has been classified as a Variant of Uncertain Significance.